The following is an entry in ClinVar:

ClinVar aggregate classification (germline): Likely benign. Review status: criteria provided, single submitter (1 of 4 stars). 2 submissions from 2 submitters: Likely benign (1). 1 of the submissions does not count toward it. Last evaluated 2022-12-16.

Conditions:
C6-related disorder. Also called: C6-related condition.

Allele frequency attached by ClinVar (database versions not stated): gnomAD 0.00001; TOPMed 0.00001.
gnomAD v4.1: 5 of 1,613,914 alleles (0.00031%); highest among the groups gnomAD compares: Non-Finnish European, 0.00042%; no homozygotes.

Submissions (2):

Blueprint Genetics
Classification: Likely benign. Last evaluated: 2022-12-16. Review status: criteria provided, single submitter. Criteria: ACMG Guidelines, 2015. Collection method: clinical testing. Allele origin: germline.

PreventionGenetics, part of Exact Sciences
Classification: Likely benign for C6-related condition. Last evaluated: 2023-11-22. Review status: no assertion criteria provided. Collection method: clinical testing. Allele origin: germline. Not counted in ClinVar's aggregate classification.
Comment: This variant is classified as likely benign based on ACMG/AMP sequence variant interpretation guidelines (Richards et al. 2015 PMID: 25741868, with internal and published modifications).

NM_000065.5(C6):c.54G>A (p.Lys18=)

Gene: C6 (complement C6; minus strand). Cytogenetic location: 5p13.1.
Variant type: single nucleotide variant.
Coding change: c.54G>A on transcript NM_000065.5 (MANE Select); coding-DNA position 54, G replaced by A.
Protein change: p.Lys18=; no amino-acid change (lysine 18 retained).
Molecular consequence: synonymous variant.
Genome position (GRCh38, 1-based): chr5:41,203,177, C>T on the plus strand (G>A on the coding strand, the complement: C6 is on the minus strand). VCF-style: chr5-41203177-C-T. GRCh37 (hg19) VCF-style: chr5-41203279-C-T.
Other names: c.54G>A, p.Lys18= (NM_001115131.4).
Identifiers: ClinVar variation 3041784 (VCV003041784.3), dbSNP rs1167565458, ClinGen allele CA443975249.
Genomic context (GRCh38, chr5:41,203,177, plus strand): 5'-AGTTTTTGAGCAGCTGGTCCACTGAGTCCATGCATAGTGATCACAGAAGCAGGCTTGGCC[C>T]TTGTTGATCAGAGCATTCAGCAGGATGAAGTACAAGACAGAGCGTCTGGCCATGCCTTGA-3'
Protein context (NP_000056.2, residues 8-28): YFILLNALIN[Lys18=]GQACFCDHYA